The following is an entry in ClinVar:

NM_000383.4(AIRE):c.1201C>A (p.Pro401Thr)

Gene: AIRE (autoimmune regulator; plus strand). Cytogenetic location: 21q22.3.
Variant type: single nucleotide variant.
Coding change: c.1201C>A on transcript NM_000383.4 (MANE Select); coding-DNA position 1201, C replaced by A.
Protein change: p.Pro401Thr; replaces proline 401 with threonine.
Molecular consequence: missense variant.
Genome position (GRCh38, 1-based): chr21:44,293,098, C>A. VCF-style: chr21-44293098-C-A. GRCh37 (hg19) VCF-style: chr21-45712981-C-A.
Other names: short protein forms P401T.
Identifiers: ClinVar variation 2636548 (VCV002636548.1), dbSNP rs2517884722, ClinGen allele CA410425448.
Genomic context (GRCh38, chr21:44,293,098, plus strand): 5'-CCTGGGGAACCCCTAGCCGGCATGGACACGACTCTTGTCTACAAGCACCTGCCGGCTCCG[C>A]CTTCTGCAGCCCCGCTGCCAGGGCTGGACTCCTCGGCCCTGCACCCCCTACTGTGTGTGG-3'
Protein context (NP_000374.1, residues 391-411): TLVYKHLPAP[Pro401Thr]SAAPLPGLDS

ClinVar aggregate classification (germline): Uncertain significance (1 of 4 stars; one submission).

Conditions:
AIRE-related disorder. Also called: AIRE-related condition.

Submission:

PreventionGenetics, part of Exact Sciences
Classification: Uncertain significance for AIRE-related condition. Last evaluated: 2022-08-30. Review status: criteria provided, single submitter. Criteria: ACMG Guidelines, 2015. Collection method: clinical testing. Allele origin: germline.
Comment: The AIRE c.1201C>A variant is predicted to result in the amino acid substitution p.Pro401Thr. To our knowledge, this variant has not been reported in the literature or in a large population database, indicating this variant is rare. At this time, the clinical significance of this variant is uncertain due to the absence of conclusive functional and genetic evidence.